The following is an entry in ClinVar:

NM_004727.3(SLC24A1):c.2368A>G (p.Lys790Glu)

Gene: SLC24A1 (solute carrier family 24 member 1; plus strand). Cytogenetic location: 15q22.31.
Variant type: single nucleotide variant.
Coding change: c.2368A>G on transcript NM_004727.3 (MANE Select); coding-DNA position 2368, A replaced by G.
Protein change: p.Lys790Glu; replaces lysine 790 with glutamic acid.
Molecular consequence: missense variant.
Genome position (GRCh38, 1-based): chr15:65,650,517, A>G. VCF-style: chr15-65650517-A-G. GRCh37 (hg19) VCF-style: chr15-65942855-A-G.
Other names: c.349A>G, p.Lys117Glu (NM_001254740.2); c.2368A>G, p.Lys790Glu (NM_001301031.1); c.2314A>G, p.Lys772Glu (NM_001301032.1, NM_001301033.2); c.2368A>G (NM_004727.2); short protein forms K772E, K117E, K790E.
Identifiers: ClinVar variation 1467638 (VCV001467638.6), dbSNP rs761341182, ClinGen allele CA7620130.

ClinVar aggregate classification (germline): Uncertain significance. Review status: criteria provided, multiple submitters, no conflicts (2 of 4 stars). 2 submissions from 2 submitters: Uncertain significance (2). Last evaluated 2024-05-20.

Conditions:
Inborn genetic diseases. Identifiers: MedGen C0950123, MeSH D030342.

Allele frequency attached by ClinVar (database versions not stated): gnomAD 0.00001; TOPMed 0.00001; gnomAD exomes 0.00002 and 0.00003; ExAC 0.00009.
gnomAD v4.1: 28 of 1,551,728 alleles (0.0018%); highest among the groups gnomAD compares: South Asian, 0.031%; no homozygotes.

Submissions (2):

Ambry Genetics
Classification: Uncertain significance for Inborn genetic diseases. Last evaluated: 2024-05-20. Review status: criteria provided, single submitter. Criteria: Ambry Variant Classification Scheme 2023. Collection method: clinical testing. Allele origin: germline.

Labcorp Genetics (formerly Invitae), Labcorp
Classification: Uncertain significance. Last evaluated: 2021-08-02. Review status: criteria provided, single submitter. Criteria: Invitae Variant Classification Sherloc (09022015). Collection method: clinical testing. Allele origin: germline.
Comment: In summary, the available evidence is currently insufficient to determine the role of this variant in disease. Therefore, it has been classified as a Variant of Uncertain Significance. Algorithms developed to predict the effect of missense changes on protein structure and function output the following: SIFT: "Tolerated"; PolyPhen-2: "Possibly Damaging"; Align-GVGD: "Class C0". The glutamic acid amino acid residue is found in multiple mammalian species, which suggests that this missense change does not adversely affect protein function. This variant has not been reported in the literature in individuals affected with SLC24A1-related conditions. This variant is present in population databases (rs761341182, ExAC 0.03%). This sequence change replaces lysine with glutamic acid at codon 790 of the SLC24A1 protein (p.Lys790Glu). The lysine residue is weakly conserved and there is a small physicochemical difference between lysine and glutamic acid.